The following is an entry in ClinVar:

ClinVar aggregate classification (germline): Uncertain significance (1 of 4 stars; one submission).

Allele frequency attached by ClinVar (database versions not stated): ESP Exome Variant Server 0.00008.
gnomAD v4.1: 24 of 1,612,418 alleles (0.0015%); highest among the groups gnomAD compares: African/African-American, 0.012%; no homozygotes.

Submission:

Labcorp Genetics (formerly Invitae), Labcorp
Classification: Uncertain significance. Last evaluated: 2022-07-26. Review status: criteria provided, single submitter. Criteria: Invitae Variant Classification Sherloc (09022015). Collection method: clinical testing. Allele origin: germline.
Comment: This sequence change replaces valine, which is neutral and non-polar, with methionine, which is neutral and non-polar, at codon 225 of the SLC9A3 protein (p.Val225Met). This variant is present in population databases (rs149018338, gnomAD 0.008%). This variant has not been reported in the literature in individuals affected with SLC9A3-related conditions. Algorithms developed to predict the effect of missense changes on protein structure and function are either unavailable or do not agree on the potential impact of this missense change (SIFT: "Not Available"; PolyPhen-2: "Probably Damaging"; Align-GVGD: "Not Available"). Algorithms developed to predict the effect of sequence changes on RNA splicing suggest that this variant may disrupt the consensus splice site. In summary, the available evidence is currently insufficient to determine the role of this variant in disease. Therefore, it has been classified as a Variant of Uncertain Significance.

NM_004174.4(SLC9A3):c.673G>A (p.Val225Met)

Gene: SLC9A3 (solute carrier family 9 member A3). Cytogenetic location: 5p15.33.
Variant type: single nucleotide variant.
Coding change: c.673G>A on transcript NM_004174.4 (MANE Select); coding-DNA position 673, G replaced by A.
Protein change: p.Val225Met; replaces valine 225 with methionine.
Molecular consequence: missense variant.
Genome position (GRCh38, 1-based): chr5:488,318, C>T on the plus strand (G>A on the coding strand, the complement: SLC9A3 is on the minus strand). VCF-style: chr5-488318-C-T. GRCh37 (hg19) VCF-style: chr5-488433-C-T.
Other names: c.673G>A, p.Val225Met (NM_001284351.3); short protein forms V225M.
Identifiers: ClinVar variation 1981150 (VCV001981150.1), dbSNP rs149018338, ClinGen allele CA112853319.